The following is an entry in ClinVar:

NM_001083614.2(EARS2):c.*1443C>G

Genes: EARS2 (glutamyl-tRNA synthetase 2, mitochondrial; minus strand), GGA2 (golgi associated, gamma adaptin ear containing, ARF binding protein 2; minus strand). Cytogenetic location: 16p12.2.
Variant type: single nucleotide variant.
Coding change: c.*1443C>G on transcript NM_001083614.2 (MANE Select); 1443 bases downstream of the stop codon, C replaced by G.
Molecular consequence: 3 prime UTR variant. On other transcripts: non-coding transcript variant (1).
Genome position (GRCh38, 1-based): chr16:23,522,928, G>C on the plus strand (C>G on the coding strand, the complement: EARS2 is on the minus strand). VCF-style: chr16-23522928-G-C. GRCh37 (hg19) VCF-style: chr16-23534249-G-C.
Identifiers: ClinVar variation 318518 (VCV000318518.6), dbSNP rs6497669, ClinGen allele CA10648148.

ClinVar aggregate classification (germline): Benign. Review status: criteria provided, multiple submitters, no conflicts (2 of 4 stars). 2 submissions from 2 submitters: Benign (2). Last evaluated 2018-01-13.

Conditions:
Leukoencephalopathy-thalamus and brainstem anomalies-high lactate syndrome. Also called: LEUKOENCEPHALOPATHY WITH THALAMUS AND BRAINSTEM INVOLVEMENT AND HIGH LACTATE; Combined oxidative phosphorylation deficiency 12. Identifiers: Orphanet 314051, MedGen C4706421, MONDO:0013971, OMIM 614924.

Allele frequency attached by ClinVar (database versions not stated): gnomAD exomes 0.75000; 1000 Genomes Project 0.78694; 1000 Genomes Project 30x 0.78982; gnomAD 0.81426; TOPMed 0.82714.
gnomAD v4.1: 124,986 of 152,182 alleles (82%); highest among the groups gnomAD compares: Middle Eastern, 89%; 51,423 homozygotes.

Submissions (2):

Illumina Laboratory Services, Illumina
Classification: Benign for Leukoencephalopathy-thalamus and brainstem anomalies-high lactate syndrome. Last evaluated: 2018-01-13. Review status: criteria provided, single submitter. Criteria: ICSL Variant Classification Criteria 13 December 2019. Collection method: clinical testing. Allele origin: germline.
Comment: This variant was observed in the ICSL laboratory as part of a predisposition screen in an ostensibly healthy population. It had not been previously curated by ICSL or reported in the Human Gene Mutation Database (HGMD: prior to June 1st, 2018), and was therefore a candidate for classification through an automated scoring system. Utilizing variant allele frequency, disease prevalence and penetrance estimates, and inheritance mode, an automated score was calculated to assess if this variant is too frequent to cause the disease. Based on the score and internal cut-off values, a variant classified as benign is not then subjected to further curation. The score for this variant resulted in a classification of benign for this disease.

Breakthrough Genomics
Classification: Benign. Review status: criteria provided, single submitter. Criteria: ACMG Guidelines, 2015. Collection method: not provided. Allele origin: germline. Inheritance: Autosomal recessive inheritance. Affected: yes.